The following is an entry in ClinVar:

NM_001376.5(DYNC1H1):c.2828C>T (p.Pro943Leu)

Gene: DYNC1H1 (dynein cytoplasmic 1 heavy chain 1; plus strand). Cytogenetic location: 14q32.31.
Variant type: single nucleotide variant.
Coding change: c.2828C>T on transcript NM_001376.5 (MANE Select); coding-DNA position 2828, C replaced by T.
Protein change: p.Pro943Leu; replaces proline 943 with leucine.
Molecular consequence: missense variant.
Genome position (GRCh38, 1-based): chr14:101,988,812, C>T. VCF-style: chr14-101988812-C-T. GRCh37 (hg19) VCF-style: chr14-102455149-C-T.
Other names: short protein forms P943L.
Identifiers: ClinVar variation 2706662 (VCV002706662.3), dbSNP rs2503701965, ClinGen allele CA391028892.

ClinVar aggregate classification (germline): Uncertain significance (1 of 4 stars; one submission).

Conditions:
Charcot-Marie-Tooth disease axonal type 2O. Also called: Charcot-Marie-Tooth disease, axonal, type 20; CHARCOT-MARIE-TOOTH NEUROPATHY, AXONAL, TYPE 2O; CHARCOT-MARIE-TOOTH DISEASE, AXONAL, AUTOSOMAL DOMINANT, TYPE 2O; Charcot-Marie-Tooth Neuropathy Type 2O. Identifiers: Orphanet 284232, MedGen C3280220, MONDO:0013644, OMIM 614228.

Submission:

Labcorp Genetics (formerly Invitae), Labcorp
Classification: Uncertain significance for Charcot-Marie-Tooth disease axonal type 2O. Last evaluated: 2023-12-30. Review status: criteria provided, single submitter. Criteria: Invitae Variant Classification Sherloc (09022015). Collection method: clinical testing. Allele origin: germline.
Comment: This sequence change replaces proline, which is neutral and non-polar, with leucine, which is neutral and non-polar, at codon 943 of the DYNC1H1 protein (p.Pro943Leu). This variant is not present in population databases (gnomAD no frequency). This variant has not been reported in the literature in individuals affected with DYNC1H1-related conditions. Advanced modeling of protein sequence and biophysical properties (such as structural, functional, and spatial information, amino acid conservation, physicochemical variation, residue mobility, and thermodynamic stability) has been performed at Invitae for this missense variant, however the output from this modeling did not meet the statistical confidence thresholds required to predict the impact of this variant on DYNC1H1 protein function. In summary, the available evidence is currently insufficient to determine the role of this variant in disease. Therefore, it has been classified as a Variant of Uncertain Significance.